The following is an entry in ClinVar:

ClinVar aggregate classification (germline): Likely benign (1 of 4 stars; one submission).

Conditions:
SCAPER-related disorder. Also called: SCAPER-related condition.

gnomAD v4.1: 9 of 1,612,732 alleles (0.00056%); highest among the groups gnomAD compares: Non-Finnish European, 0.00076%; no homozygotes.

Submission:

PreventionGenetics, part of Exact Sciences
Classification: Likely benign for SCAPER-related condition. Last evaluated: 2026-08-11. Review status: criteria provided, single submitter. Criteria: ACMG Guidelines, 2015. Collection method: clinical testing. Allele origin: germline.
Comment: This variant is classified as likely benign based on ACMG/AMP sequence variant interpretation guidelines (Richards et al. 2015 PMID: 25741868, with internal and published modifications).

NM_020843.4(SCAPER):c.1848A>G (p.Ala616=)

Gene: SCAPER (S-phase cyclin A associated protein in the ER; minus strand). Cytogenetic location: 15q24.3.
Variant type: single nucleotide variant.
Coding change: c.1848A>G on transcript NM_020843.4 (MANE Select); coding-DNA position 1848, A replaced by G.
Protein change: p.Ala616=; no amino-acid change (alanine 616 retained).
Molecular consequence: synonymous variant. On other transcripts: non-coding transcript variant (1).
Genome position (GRCh38, 1-based): chr15:76,753,826, T>C on the plus strand (A>G on the coding strand, the complement: SCAPER is on the minus strand). VCF-style: chr15-76753826-T-C. GRCh37 (hg19) VCF-style: chr15-77046167-T-C.
Other names: c.1110A>G, p.Ala370= (NM_001145923.2); c.1866A>G, p.Ala622= (NM_001353009.2); c.1446A>G, p.Ala482= (NM_001353010.2, NM_001353012.2); c.1464A>G, p.Ala488= (NM_001353011.2).
Identifiers: ClinVar variation 4985502 (VCV004985502.1).
Genomic context (GRCh38, chr15:76,753,826, plus strand): 5'-ACTTGGGTAATTAAGTCAACATTTAAAGCTCTTATGATATACCTTAGCTTCTTCTTCTTG[T>C]GCTTTTTTCACAATTGCTTGTAACTGCACTTCTCGCTTAAACTCAGCATGAAGTAATTTT-3'
Protein context (NP_065894.2, residues 606-626): EVQLQAIVKK[Ala616=]QEEEAKVNEI